The following is an entry in ClinVar:

NM_002485.5(NBN):c.538T>A (p.Phe180Ile)

Gene: NBN (nibrin; minus strand). Cytogenetic location: 8q21.3.
Variant type: single nucleotide variant.
Coding change: c.538T>A on transcript NM_002485.5 (MANE Select); coding-DNA position 538, T replaced by A.
Protein change: p.Phe180Ile; replaces phenylalanine 180 with isoleucine.
Molecular consequence: missense variant.
Genome position (GRCh38, 1-based): chr8:89,978,266, A>T on the plus strand (T>A on the coding strand, the complement: NBN is on the minus strand). VCF-style: chr8-89978266-A-T. GRCh37 (hg19) VCF-style: chr8-90990494-A-T.
Other names: c.292T>A, p.Phe98Ile (NM_001024688.3, NM_001440379.1, NM_001440380.1); short protein forms F98I, F180I.
Identifiers: ClinVar variation 4827167 (VCV004827167.1).
Genomic context (GRCh38, chr8:89,978,266, plus strand): 5'-AATACATAATATACCTTTCAATTTGTGGAGGCTGCTTCTTGGACTCAACTGCTTTCAGGA[A>T]TTCAGTAAAATATTCTGGCTTTACAATTGGACGTCCACAAATGAGTGCACATATTGTCTA-3'
Protein context (NP_002476.2, residues 170-190): PIVKPEYFTE[Phe180Ile]LKAVESKKQP

ClinVar aggregate classification (germline): Uncertain significance (1 of 4 stars; one submission).

Conditions:
Hereditary cancer-predisposing syndrome. Also called: Neoplastic Syndromes, Hereditary; Tumor predisposition; Hereditary Cancer Syndrome; Hereditary neoplastic syndrome. Identifiers: Orphanet 140162, MedGen C0027672, MeSH D009386, MONDO:0015356.

Submission:

Ambry Genetics
Classification: Uncertain significance for Hereditary cancer-predisposing syndrome. Last evaluated: 2026-03-12. Review status: criteria provided, single submitter. Criteria: Ambry Variant Classification Scheme 2023. Collection method: clinical testing. Allele origin: germline.
Comment: The p.F180I variant (also known as c.538T>A), located in coding exon 5 of the NBN gene, results from a T to A substitution at nucleotide position 538. The phenylalanine at codon 180 is replaced by isoleucine, an amino acid with highly similar properties. This amino acid position is conserved. In addition, this alteration is predicted to be tolerated by in silico analysis. Based on the available evidence, the clinical significance of this variant remains unclear.